The following is an entry in ClinVar:

ClinVar aggregate classification (germline): Pathogenic (1 of 4 stars; one submission).

Conditions:
Early-infantile DEE. Also called: Early infantile epileptic encephalopathy with suppression bursts; Early infantile epileptic encephalopathy; Ohtahara syndrome. Identifiers: Orphanet 1934, MedGen C0393706, MONDO:0800491.

Submission:

Labcorp Genetics (formerly Invitae), Labcorp
Classification: Pathogenic for Early-infantile DEE. Last evaluated: 2018-03-10. Review status: criteria provided, single submitter. Criteria: Invitae Variant Classification Sherloc (09022015). Collection method: clinical testing. Allele origin: germline.
Comment: Algorithms developed to predict the effect of sequence changes on RNA splicing suggest that this variant may disrupt the consensus splice site, but this prediction has not been confirmed by published transcriptional studies. Donor and acceptor splice site variants typically lead to a loss of protein function (PMID: 16199547), and loss-of-function variants in SCN1A are known to be pathogenic (PMID: 17347258, 18930999). For these reasons, this variant has been classified as Pathogenic. Different donor splice site substitutions at this position (c.3705+1G>A, c.3705+1G>C) have been reported in individuals affected with SMEI or Dravet syndrome (PMID: 14504318, 24168886, 23808377). This variant has been reported to be de novo in an individual affected with severe myoclonic epilepsy of infancy (SMEI) (PMID: 12821740). This variant is also known as IVS18+1G>T in the literature. This variant is not present in population databases (ExAC no frequency). This sequence change affects a donor splice site in intron 18 of the SCN1A gene. It is expected to disrupt RNA splicing and likely results in an absent or disrupted protein product.

Literature cited by the submitters: PubMed 16199547; PubMed 17347258; PubMed 18930999; PubMed 14504318; PubMed 24168886; PubMed 23808377; PubMed 12821740.

NM_001165963.4(SCN1A):c.3705+1G>T

Genes: SCN1A (sodium voltage-gated channel alpha subunit 1; minus strand), LOC102724058 (uncharacterized LOC102724058; plus strand). Cytogenetic location: 2q24.3.
Variant type: single nucleotide variant.
Coding change: c.3705+1G>T on transcript NM_001165963.4 (MANE Select); the canonical splice donor site of the intron after coding-DNA position 3705, G replaced by T.
Molecular consequence: splice donor variant.
Genome position (GRCh38, 1-based): chr2:166,013,743, C>A on the plus strand (G>T on the coding strand, the complement: SCN1A is on the minus strand). VCF-style: chr2-166013743-C-A. GRCh37 (hg19) VCF-style: chr2-166870253-C-A.
Other names: c.3672+1G>T (NM_001353949.2, NM_001353950.2, NM_001353951.2 and 2 more transcripts); c.3621+1G>T (NM_001353958.2, NM_001353957.2, NM_001165964.3); c.3705+1G>T (NM_001202435.3, NM_001353948.2); c.3669+1G>T (NM_001353955.2, NM_001353954.2); c.3618+1G>T (NM_001353960.2); c.1263+1G>T (NM_001353961.2).
Identifiers: ClinVar variation 579272 (VCV000579272.10), dbSNP rs794726744, ClinGen allele CA349055588.